The following is an entry in ClinVar:

ClinVar aggregate classification (germline): Uncertain significance. Review status: criteria provided, multiple submitters, no conflicts (2 of 4 stars). 2 submissions from 2 submitters: Uncertain significance (2). Last evaluated 2025-06-18.

Conditions:
Inborn genetic diseases. Identifiers: MedGen C0950123, MeSH D030342.
DVL1-related disorder. Also called: DVL1-related condition.

Allele frequency attached by ClinVar (database versions not stated): gnomAD exomes 0.00001.
gnomAD v4.1: 24 of 1,609,544 alleles (0.0015%); highest among the groups gnomAD compares: Middle Eastern, 0.017%; no homozygotes.

Submissions (2):

PreventionGenetics, part of Exact Sciences
Classification: Uncertain significance for DVL1-related condition. Last evaluated: 2025-06-18. Review status: criteria provided, single submitter. Criteria: ACMG Guidelines, 2015. Collection method: clinical testing. Allele origin: germline.
Comment: The DVL1 c.697C>T variant is predicted to result in the amino acid substitution p.Arg233Trp. To our knowledge, this variant has not been reported in the literature. This variant is reported in 0.0091% of alleles in individuals of Latino descent in gnomAD. At this time, the clinical significance of this variant is uncertain due to the absence of conclusive functional and genetic evidence.

Ambry Genetics
Classification: Uncertain significance for Inborn genetic diseases. Last evaluated: 2023-07-19. Review status: criteria provided, single submitter. Criteria: Ambry Variant Classification Scheme 2023. Collection method: clinical testing. Allele origin: germline.

NM_001330311.2(DVL1):c.697C>T (p.Arg233Trp)

Gene: DVL1 (dishevelled segment polarity protein 1; minus strand). Cytogenetic location: 1p36.33.
Variant type: single nucleotide variant.
Coding change: c.697C>T on transcript NM_001330311.2 (MANE Select); coding-DNA position 697, C replaced by T.
Protein change: p.Arg233Trp; replaces arginine 233 with tryptophan.
Molecular consequence: missense variant.
Genome position (GRCh38, 1-based): chr1:1,340,412, G>A on the plus strand (C>T on the coding strand, the complement: DVL1 is on the minus strand). VCF-style: chr1-1340412-G-A. GRCh37 (hg19) VCF-style: chr1-1275792-G-A.
Other names: c.697C>T, p.Arg233Trp (NM_004421.3); short protein forms R233W.
Identifiers: ClinVar variation 2590468 (VCV002590468.3), dbSNP rs745907818, ClinGen allele CA520528.